The following is an entry in ClinVar:

NC_012920.1(MT-ND2):m.4929C>T

Gene: MT-ND2 (mitochondrially encoded NADH dehydrogenase 2; plus strand).
Variant type: single nucleotide variant.
Genome position: chrM-4929-C-T.
Identifiers: ClinVar variation 692521 (VCV000692521.1), dbSNP rs1603219676, ClinGen allele CA414778134.
Genomic context (GRCh38, chrMT:4,929, plus strand): 5'-CAAAAACTAGCCCCCATCTCAATCATATACCAAATCTCTCCCTCACTAAACGTAAGCCTT[C>T]TCCTCACTCTCTCAATCTTATCCATCATAGCAGGCAGTTGAGGTGGATTAAACCAAACCC-3'

ClinVar aggregate classification (germline): Uncertain significance (1 of 4 stars; one submission).

Conditions:
Leigh syndrome (NULS). Also called: Leigh's necrotizing encephalopathy; Leigh's disease; Leigh Syndrome (mtDNA deletion); Leigh Disease; Subacute necrotizing encephalopathy; Necrotizing encephalopathy infantile subacute of Leigh. Identifiers: Orphanet 506, MedGen C2931891, MONDO:0009723, OMIM 256000.

Submission:

Wong Mito Lab, Molecular and Human Genetics, Baylor College of Medicine
Classification: Uncertain significance for Leigh syndrome. Last evaluated: 2019-10-17. Review status: criteria provided, single submitter. Criteria: Modified ACMG Guidelines (Unpublished). Collection method: clinical testing. Allele origin: germline.
Comment: The NC_012920.1:m.4929C>T (YP_003024027.1:p.Leu154Phe) variant in MTND2 gene is interpretated to be a Uncertain Significance variant based on the modified ACMG guidelines (unpublished). This variant meets the following evidence codes: PP7